The following is an entry in ClinVar:

ClinVar aggregate classification (germline): Likely pathogenic (1 of 4 stars; one submission).

Conditions:
Nemaline myopathy 2 (NEM2). Also called: Nemaline myopathy 2, autosomal recessive. Identifiers: MedGen C1850569, MONDO:0009725, OMIM 256030.

Allele frequency attached by ClinVar (database versions not stated): gnomAD exomes below 0.00001.
gnomAD v4.1: 1 of 1,610,044 alleles (0.000062%); highest among the groups gnomAD compares: Non-Finnish European, 0.000085%; no homozygotes.

Submission:

MGZ Medical Genetics Center
Classification: Likely pathogenic for Nemaline myopathy 2. Last evaluated: 2022-05-17. Review status: criteria provided, single submitter. Criteria: ACMG Guidelines, 2015. Collection method: clinical testing. Allele origin: germline. Affected: yes. Observed: 1 variant allele.
Comment: ACMG criteria applied: PVS1_STR, PM2_SUP, PM3_SUP

NM_001164508.2(NEB):c.4719+1G>A

Gene: NEB (nebulin; minus strand). Cytogenetic location: 2q23.3.
Variant type: single nucleotide variant.
Coding change: c.4719+1G>A on transcript NM_001164508.2 (MANE Select); the canonical splice donor site of the intron after coding-DNA position 4719, G replaced by A.
Molecular consequence: splice donor variant.
Genome position (GRCh38, 1-based): chr2:151,667,803, C>T on the plus strand (G>A on the coding strand, the complement: NEB is on the minus strand). VCF-style: chr2-151667803-C-T. GRCh37 (hg19) VCF-style: chr2-152524317-C-T.
Other names: c.4719+1G>A (NM_004543.5, NM_001164507.2, NM_001271208.2).
Identifiers: ClinVar variation 1709456 (VCV001709456.2), dbSNP rs2552258927, ClinGen allele CA348814173.